The following is an entry in ClinVar:

ClinVar aggregate classification (germline): Benign. Review status: criteria provided, multiple submitters, no conflicts (2 of 4 stars). 10 submissions from 10 submitters: Benign (9). 1 of the submissions does not count toward it. Last evaluated 2026-06-22.

Conditions:
Autosomal recessive nonsyndromic hearing loss 9. Also called: OTOF-Related Hearing Loss; Deafness, autosomal recessive 9; AUDITORY NEUROPATHY, AUTOSOMAL RECESSIVE, 1, TEMPERATURE-SENSITIVE; NEUROSENSORY NONSYNDROMIC RECESSIVE DEAFNESS 9. Identifiers: Orphanet 90636, MedGen C1832828, MONDO:0010986, OMIM 601071.

Allele frequency attached by ClinVar (database versions not stated): gnomAD 0.23539 and 0.24038; ESP Exome Variant Server 0.21267; TOPMed 0.22449; 1000 Genomes Project 30x 0.24438; 1000 Genomes Project 0.25539; gnomAD exomes 0.30120; ExAC 0.29751.
gnomAD v4.1: 462,346 of 1,611,062 alleles (29%); highest among the groups gnomAD compares: East Asian, 47%; 70,420 homozygotes.

Submissions (10):

Women's Health and Genetics/Laboratory Corporation of America, LabCorp
Classification: Benign. Last evaluated: 2026-06-22. Review status: criteria provided, single submitter. Criteria: LabCorp Variant Classification Summary - May 2015. Collection method: clinical testing. Allele origin: germline.

Labcorp Genetics (formerly Invitae), Labcorp
Classification: Benign. Last evaluated: 2026-02-04. Review status: criteria provided, single submitter. Criteria: Invitae Variant Classification Sherloc (09022015). Collection method: clinical testing. Allele origin: germline.

Genome-Nilou Lab
Classification: Benign for Autosomal recessive nonsyndromic hearing loss 9. Last evaluated: 2021-09-05. Review status: criteria provided, single submitter. Criteria: ACMG Guidelines, 2015. Collection method: clinical testing. Allele origin: germline. Affected: no.

Mayo Clinic Laboratories, Mayo Clinic
Classification: Benign. Last evaluated: 2020-12-04. Review status: criteria provided, single submitter. Criteria: ACMG Guidelines, 2015. Collection method: clinical testing. Allele origin: germline. Observed: 97 variant alleles.

Illumina Laboratory Services, Illumina
Classification: Benign for Autosomal recessive nonsyndromic hearing loss 9. Last evaluated: 2018-01-12. Review status: criteria provided, single submitter. Criteria: ICSL Variant Classification Criteria 13 December 2019. Collection method: clinical testing. Allele origin: germline.
Comment: This variant was observed in the ICSL laboratory as part of a predisposition screen in an ostensibly healthy population. It had not been previously curated by ICSL or reported in the Human Gene Mutation Database (HGMD: prior to June 1st, 2018), and was therefore a candidate for classification through an automated scoring system. Utilizing variant allele frequency, disease prevalence and penetrance estimates, and inheritance mode, an automated score was calculated to assess if this variant is too frequent to cause the disease. Based on the score and internal cut-off values, a variant classified as benign is not then subjected to further curation. The score for this variant resulted in a classification of benign for this disease.

GeneDx
Classification: Benign. Last evaluated: 2017-05-09. Review status: criteria provided, single submitter. Criteria: GeneDx Variant Classification (06012015). Collection method: clinical testing. Allele origin: germline. Affected: yes.
Comment: This variant is considered likely benign or benign based on one or more of the following criteria: it is a conservative change, it occurs at a poorly conserved position in the protein, it is predicted to be benign by multiple in silico algorithms, and/or has population frequency not consistent with disease.

Laboratory for Molecular Medicine, Mass General Brigham Personalized Medicine
Classification: Benign. Last evaluated: 2007-03-02. Review status: criteria provided, single submitter. Criteria: LMM Criteria. Collection method: clinical testing. Allele origin: germline. Observed: 1,011 variant alleles.

Breakthrough Genomics
Classification: Benign. Review status: criteria provided, single submitter. Criteria: ACMG Guidelines, 2015. Collection method: not provided. Allele origin: germline. Inheritance: Autosomal recessive inheritance. Affected: yes.

PreventionGenetics, part of Exact Sciences
Classification: Benign. Review status: criteria provided, single submitter. Criteria: ACMG Guidelines, 2015. Collection method: clinical testing. Allele origin: germline.

GeneReviews
No classification provided. Condition: Autosomal recessive nonsyndromic hearing loss 9. Review status: no classification provided. Collection method: literature only. Allele origin: unknown. Not counted in ClinVar's aggregate classification.

Literature cited by the submitters: PubMed 20301429 (cited by GeneReviews); NCBI Bookshelf NBK1251 (cited by GeneReviews).

NM_194248.3(OTOF):c.372A>G (p.Thr124=)

Gene: OTOF (otoferlin; minus strand). Cytogenetic location: 2p23.3.
Variant type: single nucleotide variant.
Coding change: c.372A>G on transcript NM_194248.3 (MANE Select); coding-DNA position 372, A replaced by G.
Protein change: p.Thr124=; no amino-acid change (threonine 124 retained).
Molecular consequence: synonymous variant.
Genome position (GRCh38, 1-based): chr2:26,516,555, T>C on the plus strand (A>G on the coding strand, the complement: OTOF is on the minus strand). VCF-style: chr2-26516555-T-C. GRCh37 (hg19) VCF-style: chr2-26739423-T-C.
Other names: p.Thr124=; c.372A>G, p.Thr124= (NM_001287489.2).
Identifiers: ClinVar variation 21847 (VCV000021847.24), dbSNP rs11687696, ClinGen allele CA142865.
Genomic context (GRCh38, chr2:26,516,555, plus strand): 5'-CTTCTCTTCCTCTTGAAGAGACTCATCTCCCAGGAAGTCCCCATCGTCCCAGGAGCCCAC[T>C]GTGCCGTCAGTGGCCTGATACCGGACCTCCACGCACAGGCTGGTCTGAAGGGAGGGAGGC-3'
Protein context (NP_919224.1, residues 114-134): VEVRYQATDG[Thr124=]VGSWDDGDFL